The following is an entry in ClinVar:

ClinVar aggregate classification (germline): Likely benign (1 of 4 stars; one submission).

gnomAD v4.1: 5,599 of 1,547,186 alleles (0.36%); highest among the groups gnomAD compares: Non-Finnish European, 0.4%; 20 homozygotes.

Submission:

CeGaT Center for Human Genetics Tuebingen
Classification: Likely benign. Last evaluated: 2026-03-01. Review status: criteria provided, single submitter. Criteria: CeGaT Center For Human Genetics Tuebingen Variant Classification Criteria Version 2. Collection method: clinical testing. Allele origin: germline. Affected: yes. Observed: 2 variant alleles.
Comment: PRKCZ: BP4, BP7, BS2

NM_002744.6(PRKCZ):c.996C>T (p.Tyr332=)

Gene: PRKCZ (protein kinase C zeta; plus strand). Cytogenetic location: 1p36.33.
Variant type: single nucleotide variant.
Coding change: c.996C>T on transcript NM_002744.6 (MANE Select); coding-DNA position 996, C replaced by T.
Protein change: p.Tyr332=; no amino-acid change (tyrosine 332 retained).
Molecular consequence: synonymous variant. On other transcripts: non-coding transcript variant (1).
Genome position (GRCh38, 1-based): chr1:2,169,539, C>T. VCF-style: chr1-2169539-C-T. GRCh37 (hg19) VCF-style: chr1-2100978-C-T.
Other names: c.447C>T, p.Tyr149= (NM_001033581.3, NM_001033582.3); c.684C>T, p.Tyr228= (NM_001242874.3); c.471C>T, p.Tyr157= (NM_001350803.2, NM_001350804.2); c.285C>T, p.Tyr95= (NM_001350805.2, NM_001350806.2).
Identifiers: ClinVar variation 3388226 (VCV003388226.14).